The following is an entry in ClinVar:

ClinVar aggregate classification (germline): Uncertain significance (1 of 4 stars; one submission).

Conditions:
Primary ciliary dyskinesia. Also called: Ciliary dyskinesia. Identifiers: Orphanet 244, MedGen C0008780, MONDO:0016575, HP:0012265.

Allele frequency attached by ClinVar (database versions not stated): gnomAD exomes 0.00002 and 0.00001; ExAC 0.00001.
gnomAD v4.1: 9 of 1,614,184 alleles (0.00056%); highest among the groups gnomAD compares: East Asian, 0.013%; no homozygotes.

Submission:

Labcorp Genetics (formerly Invitae), Labcorp
Classification: Uncertain significance for Primary ciliary dyskinesia. Last evaluated: 2020-07-21. Review status: criteria provided, single submitter. Criteria: Invitae Variant Classification Sherloc (09022015). Collection method: clinical testing. Allele origin: germline.
Comment: In summary, the available evidence is currently insufficient to determine the role of this variant in disease. Therefore, it has been classified as a Variant of Uncertain Significance. This sequence change replaces isoleucine with threonine at codon 454 of the RSPH4A protein (p.Ile454Thr). The isoleucine residue is weakly conserved and there is a moderate physicochemical difference between isoleucine and threonine. This variant is present in population databases (rs752047678, ExAC 0.01%). This variant has not been reported in the literature in individuals with RSPH4A-related conditions. Algorithms developed to predict the effect of missense changes on protein structure and function output the following: SIFT: "Tolerated"; PolyPhen-2: "Benign"; Align-GVGD: "Class C0". The threonine amino acid residue is found in multiple mammalian species, suggesting that this missense change does not adversely affect protein function. These predictions have not been confirmed by published functional studies and their clinical significance is uncertain.

NM_001010892.3(RSPH4A):c.1361T>C (p.Ile454Thr)

Gene: RSPH4A (radial spoke head component 4A; plus strand). Cytogenetic location: 6q22.1.
Variant type: single nucleotide variant.
Coding change: c.1361T>C on transcript NM_001010892.3 (MANE Select); coding-DNA position 1361, T replaced by C.
Protein change: p.Ile454Thr; replaces isoleucine 454 with threonine.
Molecular consequence: missense variant.
Genome position (GRCh38, 1-based): chr6:116,628,068, T>C. VCF-style: chr6-116628068-T-C. GRCh37 (hg19) VCF-style: chr6-116949231-T-C.
Other names: c.1361T>C, p.Ile454Thr (NM_001161664.2); short protein forms I454T.
Identifiers: ClinVar variation 1041209 (VCV001041209.9), dbSNP rs752047678, ClinGen allele CA3970934.